The following is an entry in ClinVar:

NM_022455.5(NSD1):c.1940G>A (p.Ser647Asn)

Gene: NSD1 (nuclear receptor binding SET domain protein 1; plus strand). Cytogenetic location: 5q35.3.
Variant type: single nucleotide variant.
Coding change: c.1940G>A on transcript NM_022455.5 (MANE Select); coding-DNA position 1940, G replaced by A.
Protein change: p.Ser647Asn; replaces serine 647 with asparagine.
Molecular consequence: missense variant.
Genome position (GRCh38, 1-based): chr5:177,210,339, G>A. VCF-style: chr5-177210339-G-A. GRCh37 (hg19) VCF-style: chr5-176637340-G-A.
Other names: c.1067G>A, p.Ser356Asn (NM_001365684.2, NM_001409306.1, NM_001409307.1 and 3 more transcripts); c.1940G>A, p.Ser647Asn (NM_001409301.1, NM_001409302.1, NM_001409303.1); c.1520G>A, p.Ser507Asn (NM_001409304.1); c.1187G>A, p.Ser396Asn (NM_001409305.1); short protein forms S356N, S396N, S378N, S507N, S647N.
Identifiers: ClinVar variation 2228326 (VCV002228326.4), dbSNP rs1233891472, ClinGen allele CA362312487.
Genomic context (GRCh38, chr5:177,210,339, plus strand): 5'-GTGATGAGGAAAAGCGAAGTGATTCCATTAGTATCTGTACCACTTCTGATGATGGAAGCA[G>A]TGACCTGGATCCCATAGAACACAGCTCAGAGTCTGATAACAGTGTCCTTGAAATTCCAGA-3'
Protein context (NP_071900.2, residues 637-657): SICTTSDDGS[Ser647Asn]DLDPIEHSSE

ClinVar aggregate classification (germline): Conflicting classifications of pathogenicity. Review status: criteria provided, conflicting classifications (1 of 4 stars). 2 submissions from 2 submitters: Uncertain significance (1); Likely benign (1). Last evaluated 2024-11-15.

Conditions:
Inborn genetic diseases. Identifiers: MedGen C0950123, MeSH D030342.

Allele frequency attached by ClinVar (database versions not stated): gnomAD exomes below 0.00001.
gnomAD v4.1: 1 of 1,614,122 alleles (0.000062%); highest among the groups gnomAD compares: Admixed American, 0.0017%; no homozygotes.

Submissions (2):

Labcorp Genetics (formerly Invitae), Labcorp
Classification: Likely benign. Last evaluated: 2024-11-15. Review status: criteria provided, single submitter. Criteria: Invitae Variant Classification Sherloc (09022015). Collection method: clinical testing. Allele origin: germline.

Ambry Genetics
Classification: Uncertain significance for Inborn genetic diseases. Last evaluated: 2020-12-15. Review status: criteria provided, single submitter. Criteria: Ambry Variant Classification Scheme 2023. Collection method: clinical testing. Allele origin: germline.
Comment: The c.1940G>A (p.S647N) alteration is located in exon 5 (coding exon 4) of the NSD1 gene. This alteration results from a G to A substitution at nucleotide position 1940, causing the serine (S) at amino acid position 647 to be replaced by an asparagine (N). The p.S647N alteration is predicted to be tolerated by in silico analysis. Based on insufficient or conflicting evidence, the clinical significance of this alteration remains unclear.